The following is an entry in ClinVar:

NM_025150.5(TARS2):c.1238+99C>A

Gene: TARS2 (threonyl-tRNA synthetase 2, mitochondrial; plus strand). Cytogenetic location: 1q21.2.
Variant type: single nucleotide variant.
Coding change: c.1238+99C>A on transcript NM_025150.5 (MANE Select); 99 bases into the intron after coding-DNA position 1238, C replaced by A.
Molecular consequence: intron variant.
Genome position (GRCh38, 1-based): chr1:150,497,846, C>A. VCF-style: chr1-150497846-C-A. GRCh37 (hg19) VCF-style: chr1-150470322-C-A.
Other names: c.992+99C>A (NM_001271895.2); c.848+99C>A (NM_001271896.2).
Identifiers: ClinVar variation 676428 (VCV000676428.2), dbSNP rs11590324, ClinGen allele CA10738836.

ClinVar aggregate classification (germline): Benign. Review status: criteria provided, multiple submitters, no conflicts (2 of 4 stars). 2 submissions from 2 submitters: Benign (2). Last evaluated 2018-06-14.

Allele frequency attached by ClinVar (database versions not stated): 1000 Genomes Project 0.24461; 1000 Genomes Project 30x 0.24516; TOPMed 0.29145; gnomAD 0.30924 and 0.31064.
gnomAD v4.1: 475,003 of 1,262,418 alleles (38%); highest among the groups gnomAD compares: Middle Eastern, 41%; 92,658 homozygotes.

Submissions (2):

GeneDx
Classification: Benign. Last evaluated: 2018-06-14. Review status: criteria provided, single submitter. Criteria: GeneDx Variant Classification (06012015). Collection method: clinical testing. Allele origin: germline. Affected: yes.
Comment: This variant is considered likely benign or benign based on one or more of the following criteria: it is a conservative change, it occurs at a poorly conserved position in the protein, it is predicted to be benign by multiple in silico algorithms, and/or has population frequency not consistent with disease.

Breakthrough Genomics
Classification: Benign. Review status: criteria provided, single submitter. Criteria: ACMG Guidelines, 2015. Collection method: not provided. Allele origin: germline. Inheritance: Autosomal recessive inheritance. Affected: yes.